The following is an entry in ClinVar:

NM_000512.5(GALNS):c.634-19G>A

Gene: GALNS (galactosamine (N-acetyl)-6-sulfatase; minus strand). Cytogenetic location: 16q24.3.
Variant type: single nucleotide variant.
Coding change: c.634-19G>A on transcript NM_000512.5 (MANE Select); 19 bases into the intron before coding-DNA position 634, G replaced by A.
Molecular consequence: intron variant.
Genome position (GRCh38, 1-based): chr16:88,835,868, C>T on the plus strand (G>A on the coding strand, the complement: GALNS is on the minus strand). VCF-style: chr16-88835868-C-T. GRCh37 (hg19) VCF-style: chr16-88902276-C-T.
Other names: c.79-19G>A (NM_001323543.2); c.652-19G>A (NM_001323544.2).
Identifiers: ClinVar variation 93181 (VCV000093181.20), dbSNP rs12934499, ClinGen allele CA146722.
Genomic context (GRCh38, chr16:88,835,868, plus strand): 5'-GGGGTGGTGCCGTGCCTGTCTCTTAATGAAGTCCAGGGCTTCCTATGGAGAGAGCCACAC[C>T]GTCGTCCTCCAGCCTCAGGCCGACCTCCTCATGCCTCCCACGGTCCCCGTCCCCACACGT-3'

ClinVar aggregate classification (germline): Benign. Review status: criteria provided, multiple submitters, no conflicts (2 of 4 stars). 9 submissions from 9 submitters: Benign (8). 1 of the submissions does not count toward it. Last evaluated 2026-02-04.

Conditions:
Mucopolysaccharidosis, MPS-IV-A (MPS4A). Also called: GALACTOSAMINE-6-SULFATASE DEFICIENCY; GALNS DEFICIENCY; mucopolysaccharidosis type 4A; Mucopolysaccharidosis type IV A; MORQUIO A DISEASE; MPS IVA. Identifiers: Orphanet 309297, Orphanet 582, MedGen C0086651, MONDO:0009659, OMIM 253000.

Allele frequency attached by ClinVar (database versions not stated): ESP Exome Variant Server 0.19883; gnomAD 0.20916 and 0.21682; TOPMed 0.21386; gnomAD exomes 0.25315 and 0.27058; ExAC 0.26430; 1000 Genomes Project 30x 0.26936; 1000 Genomes Project 0.27676.
gnomAD v4.1: 403,849 of 1,613,322 alleles (25%); highest among the groups gnomAD compares: East Asian, 58%; 54,425 homozygotes.

Submissions (9):

Labcorp Genetics (formerly Invitae), Labcorp
Classification: Benign for Mucopolysaccharidosis, MPS-IV-A. Last evaluated: 2026-02-04. Review status: criteria provided, single submitter. Criteria: Invitae Variant Classification Sherloc (09022015). Collection method: clinical testing. Allele origin: germline.

Blueprint Genetics
Classification: Benign. Last evaluated: 2024-11-27. Review status: criteria provided, single submitter. Criteria: ACMG Guidelines, 2015. Collection method: clinical testing. Allele origin: germline.

Genome-Nilou Lab
Classification: Benign for Mucopolysaccharidosis, MPS-IV-A. Last evaluated: 2021-08-10. Review status: criteria provided, single submitter. Criteria: ACMG Guidelines, 2015. Collection method: clinical testing. Allele origin: germline. Affected: no.

Women's Health and Genetics/Laboratory Corporation of America, LabCorp
Classification: Benign. Last evaluated: 2019-04-05. Review status: criteria provided, single submitter. Criteria: LabCorp Variant Classification Summary - May 2015. Collection method: clinical testing. Allele origin: germline.
Comment: Variant summary: GALNS c.634-19G>A alters a non-conserved nucleotide located close to a canonical splice site and therefore could affect mRNA splicing, leading to a significantly altered protein sequence. 4/4 computational tools predict no significant impact on normal splicing. However, these predictions have yet to be confirmed by functional studies. The variant allele was found at a frequency of 0.27 in 276630 control chromosomes in the gnomAD database, including 11195 homozygotes. The observed variant frequency is approximately 130 fold of the estimated maximal expected allele frequency for a pathogenic variant in GALNS causing Mucopolysaccharidosis Type IVA (Morquio Syndrome A) phenotype (0.002), strongly suggesting that the variant is benign. c.634-19G>A has been reported in the literature in individuals affected with Mucopolysaccharidosis Type IVA (Morquio Syndrome A) in whom other causative variants were identified in homozygous and compound heterozygous states. These data further support a benign outcome due to the presence of this variant in cis with a pathogenic variant. To our knowledge, no experimental evidence demonstrating an impact on protein function has been reported. Three clinical diagnostic laboratories have submitted clinical-significance assessments for this variant to ClinVar after 2014 without evidence for independent evaluation. All laboratories classified the variant as benign. Based on the evidence outlined above, the variant was classified as benign.

Eurofins Ntd Llc (ga)
Classification: Benign. Last evaluated: 2017-11-06. Review status: criteria provided, single submitter. Criteria: EGL Classification Definitions 2015. Collection method: clinical testing. Allele origin: germline. Observed: 62 variant alleles, 43 heterozygotes, 19 homozygotes.

GeneDx
Classification: Benign. Last evaluated: 2015-03-03. Review status: criteria provided, single submitter. Criteria: GeneDx Variant Classification Process June 2021. Collection method: clinical testing. Allele origin: germline. Affected: yes.

Breakthrough Genomics
Classification: Benign. Review status: criteria provided, single submitter. Criteria: ACMG Guidelines, 2015. Collection method: not provided. Allele origin: germline. Inheritance: Autosomal recessive inheritance. Affected: yes.

PreventionGenetics, part of Exact Sciences
Classification: Benign. Review status: criteria provided, single submitter. Criteria: ACMG Guidelines, 2015. Collection method: clinical testing. Allele origin: germline.

Mayo Clinic Laboratories, Mayo Clinic
Classification: Benign. Last evaluated: 2015-10-23. Review status: no assertion criteria provided. Collection method: clinical testing. Allele origin: unknown. Not counted in ClinVar's aggregate classification.

Literature cited by the submitters: PubMed 24726177 (cited by Women's Health and Genetics/Laboratory Corporation of America, LabCorp).